The following is an entry in ClinVar:

ClinVar aggregate classification (germline): Conflicting classifications of pathogenicity. Review status: criteria provided, conflicting classifications (1 of 4 stars). 2 submissions from 2 submitters: Uncertain significance (1); Likely benign (1). Last evaluated 2026-06-11.

Allele frequency attached by ClinVar (database versions not stated): gnomAD exomes 0.00007; ExAC 0.00025; 1000 Genomes Project 30x 0.00125; gnomAD 0.00065; TOPMed 0.00070; 1000 Genomes Project 0.00079; ESP Exome Variant Server 0.00104.
gnomAD v4.1: 146 of 1,209,566 alleles (0.012%); highest among the groups gnomAD compares: African/African-American, 0.24%; no homozygotes.

Submissions (2):

Women's Health and Genetics/Laboratory Corporation of America, LabCorp
Classification: Uncertain significance. Last evaluated: 2026-06-11. Review status: criteria provided, single submitter. Criteria: LabCorp Variant Classification Summary - May 2015. Collection method: clinical testing. Allele origin: germline.
Comment: Variant summary: F8 c.3263C>T (p.Thr1088Ile) results in a non-conservative amino acid change in the encoded protein sequence. Algorithms developed to predict the effect of missense changes on protein structure and function are either unavailable or do not agree on the potential impact of this missense change. The variant allele was found at a frequency of 0.00016 in 182714 control chromosomes (gnomAD). This frequency is not significantly higher than estimated for disease-causing variants in F8, allowing no conclusion about variant significance. c.3263C>T has been observed in individuals affected with Hemophilia A (2012, Johnsen_2018, Luu_2019, Stefanucci_2023). These reports do not provide unequivocal conclusions about association of the variant with disease. To our knowledge, no experimental evidence demonstrating an impact on protein function has been reported. The following publications have been ascertained in the context of this evaluation (PMID: 29296726, 30913330, 22103590, 37647632). ClinVar contains an entry for this variant (Variation ID: 2661866). Based on the evidence outlined above, the variant was classified as uncertain significance.

CeGaT Center for Human Genetics Tuebingen
Classification: Likely benign. Last evaluated: 2022-12-01. Review status: criteria provided, single submitter. Criteria: CeGaT Center For Human Genetics Tuebingen Variant Classification Criteria Version 2. Collection method: clinical testing. Allele origin: germline. Affected: yes. Observed: 1 variant allele.
Comment: F8: BS2

Literature cited by the submitters: PubMed 22103590 (cited by Women's Health and Genetics/Laboratory Corporation of America, LabCorp); PubMed 29296726 (cited by Women's Health and Genetics/Laboratory Corporation of America, LabCorp); PubMed 30913330 (cited by Women's Health and Genetics/Laboratory Corporation of America, LabCorp); PubMed 37647632 (cited by Women's Health and Genetics/Laboratory Corporation of America, LabCorp).

NM_000132.4(F8):c.3263C>T (p.Thr1088Ile)

Gene: F8 (coagulation factor VIII; minus strand). Cytogenetic location: Xq28.
Variant type: single nucleotide variant.
Coding change: c.3263C>T on transcript NM_000132.4 (MANE Select); coding-DNA position 3263, C replaced by T.
Protein change: p.Thr1088Ile; replaces threonine 1088 with isoleucine.
Molecular consequence: missense variant.
Genome position (GRCh38, 1-based): chrX:154,930,527, G>A on the plus strand (C>T on the coding strand, the complement: F8 is on the minus strand). VCF-style: chrX-154930527-G-A. GRCh37 (hg19) VCF-style: chrX-154158802-G-A.
Other names: short protein forms T1088I.
Identifiers: ClinVar variation 2661866 (VCV002661866.25), dbSNP rs142245438, ClinGen allele CA10568234.